The following is an entry in ClinVar:

ClinVar aggregate classification (germline): Uncertain significance (1 of 4 stars; one submission).

Conditions:
Hereditary cancer-predisposing syndrome. Also called: Tumor predisposition; Hereditary neoplastic syndrome; Hereditary Cancer Syndrome; Neoplastic Syndromes, Hereditary. Identifiers: Orphanet 140162, MedGen C0027672, MeSH D009386, MONDO:0015356.

Submission:

Ambry Genetics
Classification: Uncertain significance for Hereditary cancer-predisposing syndrome. Last evaluated: 2024-02-10. Review status: criteria provided, single submitter. Criteria: Ambry Variant Classification Scheme 2023. Collection method: clinical testing. Allele origin: germline.
Comment: The p.G249D variant (also known as c.746G>A), located in coding exon 1 of the AXIN2 gene, results from a G to A substitution at nucleotide position 746. The glycine at codon 249 is replaced by aspartic acid, an amino acid with similar properties. This amino acid position is conserved. In addition, the in silico prediction for this alteration is inconclusive. Based on the available evidence, the clinical significance of this alteration remains unclear.

NM_004655.4(AXIN2):c.746G>A (p.Gly249Asp)

Gene: AXIN2 (axin 2; minus strand). Cytogenetic location: 17q24.1.
Variant type: single nucleotide variant.
Coding change: c.746G>A on transcript NM_004655.4 (MANE Select); coding-DNA position 746, G replaced by A.
Protein change: p.Gly249Asp; replaces glycine 249 with aspartic acid.
Molecular consequence: missense variant.
Genome position (GRCh38, 1-based): chr17:65,557,875, C>T on the plus strand (G>A on the coding strand, the complement: AXIN2 is on the minus strand). VCF-style: chr17-65557875-C-T. GRCh37 (hg19) VCF-style: chr17-63553993-C-T.
Other names: c.746G>A, p.Gly249Asp (NM_001363813.1); short protein forms G249D.
Identifiers: ClinVar variation 3224413 (VCV003224413.1), dbSNP rs2144582419, ClinGen allele CA400680360.